The following is an entry in ClinVar:

ClinVar aggregate classification (germline): Likely pathogenic. Review status: criteria provided, single submitter (1 of 4 stars). 3 submissions from 3 submitters: Likely pathogenic (1). 2 of the submissions do not count toward it. Last evaluated 2022-05-31.

Conditions:
Duane-radial ray syndrome (DRRS). Also called: ACRORENOOCULAR SYNDROME; Okihiro Syndrome; DR SYNDROME; DUANE ANOMALY WITH RADIAL RAY ABNORMALITIES AND DEAFNESS; Duane-Radial Ray Syndrome/Okihiro Syndrome; Duane-Radial Ray Syndrome (DRRS) / Okihiro Syndrome. Identifiers: Orphanet 93293, Orphanet 959, MedGen C1623209, MONDO:0011812, OMIM 607323. Disease mechanism: gain of function.

Submissions (3):

GeneDx
Classification: Likely pathogenic. Last evaluated: 2022-05-31. Review status: criteria provided, single submitter. Criteria: GeneDx Variant Classification Process June 2021. Collection method: clinical testing. Allele origin: germline. Affected: yes.
Comment: Not observed at significant frequency in large population cohorts (gnomAD); Nonsense variant predicted to result in protein truncation as the last 149 amino acids are lost, although loss-of-function variants have not been reported downstream of this position in the protein; This variant is associated with the following publications: (PMID: 25525159, 16411190)

OMIM
Classification: Pathogenic for DUANE-RADIAL RAY SYNDROME. Last evaluated: 2006-02-01. Review status: no assertion criteria provided. Collection method: literature only. Allele origin: germline. Not counted in ClinVar's aggregate classification.

GeneReviews
No classification provided. Condition: Duane-radial ray syndrome. Review status: no classification provided. Collection method: literature only. Allele origin: germline. Not counted in ClinVar's aggregate classification.

Literature cited by the submitters: PubMed 16411190 (cited by OMIM and GeneReviews); NCBI Bookshelf NBK1373 (cited by GeneReviews).

NM_020436.5(SALL4):c.2713C>T (p.Arg905Ter)

Gene: SALL4 (spalt like transcription factor 4; minus strand). Cytogenetic location: 20q13.2.
Variant type: single nucleotide variant.
Coding change: c.2713C>T on transcript NM_020436.5 (MANE Select); coding-DNA position 2713, C replaced by T.
Protein change: p.Arg905Ter; replaces arginine 905 with a stop codon.
Molecular consequence: nonsense.
Genome position (GRCh38, 1-based): chr20:51,788,890, G>A on the plus strand (C>T on the coding strand, the complement: SALL4 is on the minus strand). VCF-style: chr20-51788890-G-A. GRCh37 (hg19) VCF-style: chr20-50405429-G-A.
Other names: c.2713C>T, p.Arg905Ter (LRG_675t1); c.1402C>T, p.Arg468Ter (NM_001318031.2); short protein forms R905*, R468*.
Identifiers: ClinVar variation 3328 (VCV000003328.6), dbSNP rs74315428, ClinGen allele CA340059.